The following is an entry in ClinVar:

ClinVar aggregate classification (germline): Uncertain significance (1 of 4 stars; one submission).

Submission:

Labcorp Genetics (formerly Invitae), Labcorp
Classification: Uncertain significance. Last evaluated: 2022-04-11. Review status: criteria provided, single submitter. Criteria: Invitae Variant Classification Sherloc (09022015). Collection method: clinical testing. Allele origin: germline.
Comment: This sequence change replaces serine, which is neutral and polar, with asparagine, which is neutral and polar, at codon 388 of the MAK protein (p.Ser388Asn). This variant is not present in population databases (gnomAD no frequency). This variant has not been reported in the literature in individuals affected with MAK-related conditions. Advanced modeling of protein sequence and biophysical properties (such as structural, functional, and spatial information, amino acid conservation, physicochemical variation, residue mobility, and thermodynamic stability) performed at Invitae indicates that this missense variant is not expected to disrupt MAK protein function. In summary, the available evidence is currently insufficient to determine the role of this variant in disease. Therefore, it has been classified as a Variant of Uncertain Significance.

NM_001242957.3(MAK):c.1163G>A (p.Ser388Asn)

Gene: MAK (male germ cell associated kinase; minus strand). Cytogenetic location: 6p24.2.
Variant type: single nucleotide variant.
Coding change: c.1163G>A on transcript NM_001242957.3 (MANE Select); coding-DNA position 1163, G replaced by A.
Protein change: p.Ser388Asn; replaces serine 388 with asparagine.
Molecular consequence: missense variant. On other transcripts: non-coding transcript variant (2).
Genome position (GRCh38, 1-based): chr6:10,791,828, C>T on the plus strand (G>A on the coding strand, the complement: MAK is on the minus strand). VCF-style: chr6-10791828-C-T. GRCh37 (hg19) VCF-style: chr6-10792061-C-T.
Other names: c.1163G>A, p.Ser388Asn (NM_001242385.2, NM_005906.6); c.1061G>A, p.Ser354Asn (NM_001377262.1); short protein forms S354N, S388N.
Identifiers: ClinVar variation 2116059 (VCV002116059.1), dbSNP rs755195964, ClinGen allele CA362718889.